The following is an entry in ClinVar:

NM_001103.4(ACTN2):c.1975-8C>T

Gene: ACTN2 (actinin alpha 2; plus strand). Cytogenetic location: 1q43.
Variant type: single nucleotide variant.
Coding change: c.1975-8C>T on transcript NM_001103.4 (MANE Select); 8 bases into the intron before coding-DNA position 1975, C replaced by T.
Molecular consequence: intron variant.
Genome position (GRCh38, 1-based): chr1:236,755,011, C>T. VCF-style: chr1-236755011-C-T. GRCh37 (hg19) VCF-style: chr1-236918311-C-T.
Other names: c.1975-8C>T (NM_001103.3, NM_001278343.2); c.1351-8C>T (NM_001278344.2).
Identifiers: ClinVar variation 1102219 (VCV001102219.12), dbSNP rs375957369, ClinGen allele CA1473317.
Genomic context (GRCh38, chr1:236,755,011, plus strand): 5'-CGTGCCGAGCTCCCTTAGAGGGCACTTCACTCTGCTTCTCTCTCTGCTTGCTCACTCGCC[C>T]CCCTCAGGAGATTGCCCGGAGCTCCATCCAGATCACAGGAGCCCTGGAAGACCAGATGAA-3'

ClinVar aggregate classification (germline): Likely benign. Review status: criteria provided, multiple submitters, no conflicts (2 of 4 stars). 2 submissions from 2 submitters: Likely benign (2). Last evaluated 2026-03-05.

Conditions:
ACTN2-related disorder. Also called: ACTN2-related disorders; ACTN2 related condition.
Primary familial hypertrophic cardiomyopathy (HCM). Identifiers: Orphanet 99739, MedGen C0949658, MeSH D024741, MONDO:0024573. Inheritance: Various modes of inheritance.
Dilated cardiomyopathy 1AA (CMD1AA). Also called: Cardiomyopathy, dilated, 1AA, with or without LVNC; CARDIOMYOPATHY, DILATED, 1AA, WITH OR WITHOUT LEFT VENTRICULAR NONCOMPACTION; CARDIOMYOPATHY, FAMILIAL HYPERTROPHIC, 23, WITH OR WITHOUT LEFT VENTRICULAR NONCOMPACTION. Identifiers: Orphanet 154, MedGen C2677338, MONDO:0012808, OMIM 612158.

Allele frequency attached by ClinVar (database versions not stated): gnomAD exomes below 0.00001; ExAC 0.00001; TOPMed 0.00001; ESP Exome Variant Server 0.00008.

Submissions (2):

PreventionGenetics, part of Exact Sciences
Classification: Likely benign for ACTN2-related condition. Last evaluated: 2026-03-05. Review status: criteria provided, single submitter. Criteria: ACMG Guidelines, 2015. Collection method: clinical testing. Allele origin: germline.
Comment: This variant is classified as likely benign based on ACMG/AMP sequence variant interpretation guidelines (Richards et al. 2015 PMID: 25741868, with internal and published modifications).

Labcorp Genetics (formerly Invitae), Labcorp
Classification: Likely benign for Primary familial hypertrophic cardiomyopathy; Dilated cardiomyopathy 1AA. Last evaluated: 2026-01-02. Review status: criteria provided, single submitter. Criteria: Invitae Variant Classification Sherloc (09022015). Collection method: clinical testing. Allele origin: germline.